The following is an entry in ClinVar:

ClinVar aggregate classification (germline): Uncertain significance (1 of 4 stars; one submission).

Conditions:
Candidiasis, familial, 6 (CANDF6). Also called: Candidiasis, familial, 6, autosomal dominant. Identifiers: Orphanet 1334, MedGen C3151405, MONDO:0013503, OMIM 613956.

gnomAD v4.1: 5 of 1,613,962 alleles (0.00031%); highest among the groups gnomAD compares: Non-Finnish European, 0.00042%; no homozygotes.

Submission:

Labcorp Genetics (formerly Invitae), Labcorp
Classification: Uncertain significance for Candidiasis, familial, 6. Last evaluated: 2023-04-17. Review status: criteria provided, single submitter. Criteria: Invitae Variant Classification Sherloc (09022015). Collection method: clinical testing. Allele origin: germline.
Comment: In summary, the available evidence is currently insufficient to determine the role of this variant in disease. Therefore, it has been classified as a Variant of Uncertain Significance. An algorithm developed to predict the effect of missense changes on protein structure and function (PolyPhen-2) suggests that this variant is likely to be disruptive. This missense change has been observed in individual(s) with recurrent aphthous stomatitis (PMID: 29458167). This variant is not present in population databases (gnomAD no frequency). This sequence change replaces threonine, which is neutral and polar, with proline, which is neutral and non-polar, at codon 79 of the IL17F protein (p.Thr79Pro).

Literature cited by the submitters: PubMed 29458167.

NM_052872.4(IL17F):c.235A>C (p.Thr79Pro)

Gene: IL17F (interleukin 17F; minus strand). Cytogenetic location: 6p12.2.
Variant type: single nucleotide variant.
Coding change: c.235A>C on transcript NM_052872.4 (MANE Select); coding-DNA position 235, A replaced by C.
Protein change: p.Thr79Pro; replaces threonine 79 with proline.
Molecular consequence: missense variant.
Genome position (GRCh38, 1-based): chr6:52,238,749, T>G on the plus strand (A>C on the coding strand, the complement: IL17F is on the minus strand). VCF-style: chr6-52238749-T-G. GRCh37 (hg19) VCF-style: chr6-52103547-T-G.
Other names: short protein forms T79P.
Identifiers: ClinVar variation 2910199 (VCV002910199.3), dbSNP rs376671742, ClinGen allele CA138969944.